The following is an entry in ClinVar:

ClinVar aggregate classification (germline): Pathogenic. Review status: criteria provided, multiple submitters, no conflicts (2 of 4 stars). 2 submissions from 2 submitters: Pathogenic (2). Last evaluated 2025-02-09.

Conditions:
Trimethylaminuria (TMAU). Also called: FISH-ODOR SYNDROME; Fish malodor syndrome; Stale fish syndrome; TMAuria; Primary Trimethylaminuria. Identifiers: MedGen C0342739, MONDO:0011182, OMIM 602079, HP:0003614. Disease mechanism: loss of function.

Submissions (2):

Myriad Genetics, Inc.
Classification: Pathogenic for Trimethylaminuria. Last evaluated: 2025-02-09. Review status: criteria provided, single submitter. Criteria: Myriad Autosomal Dominant, Autosomal Recessive and X-Linked Classification Criteria (2023). Collection method: clinical testing. Allele origin: unknown.
Comment: NM_001002294.2(FMO3):c.762G>A(W254*) is expected to be pathogenic in the context of primary trimethylaminuria. This variant is predicted to lead to an abnormal or absent protein product due to the creation of a premature termination codon in FMO3, a gene where loss-of-function variants are known to be pathogenic. Please note: this variant was assessed in the context of healthy population screening.

Labcorp Genetics (formerly Invitae), Labcorp
Classification: Pathogenic. Last evaluated: 2024-02-06. Review status: criteria provided, single submitter. Criteria: Invitae Variant Classification Sherloc (09022015). Collection method: clinical testing. Allele origin: germline.
Comment: This sequence change creates a premature translational stop signal (p.Trp254*) in the FMO3 gene. It is expected to result in an absent or disrupted protein product. Loss-of-function variants in FMO3 are known to be pathogenic (PMID: 20301282). This variant is not present in population databases (gnomAD no frequency). This variant has not been reported in the literature in individuals affected with FMO3-related conditions. Algorithms developed to predict the effect of sequence changes on RNA splicing suggest that this variant may disrupt the consensus splice site. For these reasons, this variant has been classified as Pathogenic.

Literature cited by the submitters: PubMed 20301282 (cited by Labcorp Genetics (formerly Invitae), Labcorp).

NM_001002294.3(FMO3):c.762G>A (p.Trp254Ter)

Gene: FMO3 (flavin containing dimethylaniline monoxygenase 3; plus strand). Cytogenetic location: 1q24.3.
Variant type: single nucleotide variant.
Coding change: c.762G>A on transcript NM_001002294.3 (MANE Select); coding-DNA position 762, G replaced by A.
Protein change: p.Trp254Ter; replaces tryptophan 254 with a stop codon.
Molecular consequence: nonsense.
Genome position (GRCh38, 1-based): chr1:171,110,932, G>A. VCF-style: chr1-171110932-G-A. GRCh37 (hg19) VCF-style: chr1-171080073-G-A.
Other names: c.702G>A, p.Trp234Ter (NM_001319173.2); c.573G>A, p.Trp191Ter (NM_001319174.2); c.762G>A, p.Trp254Ter (NM_006894.6); short protein forms W234*, W191*, W254*.
Identifiers: ClinVar variation 3639272 (VCV003639272.3).